The following is an entry in ClinVar:

NM_000257.4(MYH7):c.5656-8T>G

Gene: MYH7 (myosin heavy chain 7; minus strand). Cytogenetic location: 14q11.2.
Variant type: single nucleotide variant.
Coding change: c.5656-8T>G on transcript NM_000257.4 (MANE Select); 8 bases into the intron before coding-DNA position 5656, T replaced by G.
Molecular consequence: intron variant.
Genome position (GRCh38, 1-based): chr14:23,413,901, A>C on the plus strand (T>G on the coding strand, the complement: MYH7 is on the minus strand). VCF-style: chr14-23413901-A-C. GRCh37 (hg19) VCF-style: chr14-23883110-A-C.
Identifiers: ClinVar variation 43079 (VCV000043079.14), dbSNP rs397516251, ClinGen allele CA016348.

ClinVar aggregate classification (germline): Conflicting classifications of pathogenicity. Review status: criteria provided, conflicting classifications (1 of 4 stars). 5 submissions from 5 submitters: Uncertain significance (3); Likely benign (1). 1 of the submissions does not count toward it. Last evaluated 2025-09-10.

Conditions:
Cardiomyopathy (CMYO). Also called: Cardiomyopathies. Identifiers: Orphanet 167848, MedGen C0878544, MONDO:0004994, HP:0001638. Inheritance: Various modes of inheritance.
Hypertrophic cardiomyopathy. Also called: HYPERTROPHIC MYOCARDIOPATHY. Identifiers: Orphanet 217569, MedGen C0007194, MeSH D002312, MONDO:0005045, HP:0001639.

Allele frequency attached by ClinVar (database versions not stated): TOPMed below 0.00001; gnomAD 0.00001.
gnomAD v4.1: 2 of 1,613,894 alleles (0.00012%); highest among the groups gnomAD compares: East Asian, 0.0022%; no homozygotes.

Submissions (5):

Labcorp Genetics (formerly Invitae), Labcorp
Classification: Likely benign for Hypertrophic cardiomyopathy. Last evaluated: 2025-09-10. Review status: criteria provided, single submitter. Criteria: Invitae Variant Classification Sherloc (09022015). Collection method: clinical testing. Allele origin: germline.

All of Us Research Program, National Institutes of Health
Classification: Uncertain significance for Cardiomyopathy. Last evaluated: 2024-07-29. Review status: criteria provided, single submitter. Criteria: ACMG Guidelines, 2015. Collection method: clinical testing. Allele origin: germline. Inheritance: Autosomal dominant inheritance. Observed: 1 variant allele, 1 heterozygote.
Comment: This variant causes a T to G nucleotide substitution at the -8 position of intron 38 of the MYH7 gene. To our knowledge, functional studies have not been reported for this variant. This variant has not reported in an individual affected with hypertrophic cardiomyopathy (PMID: 25611685). This variant has been identified in 1/31368 chromosomes in the general population by the Genome Aggregation Database (gnomAD). The available evidence is insufficient to determine the role of this variant in disease conclusively. Therefore, this variant is classified as a Variant of Uncertain Significance.

This study involves interpretation of variants in research participants for the purpose of population health screening. Participant phenotype was not available at the time of variant classification. Additional details can be found in publication PMID: 35346344, PMCID: PMC8962531

Color Diagnostics, LLC DBA Color Health
Classification: Uncertain significance for Cardiomyopathy. Last evaluated: 2024-07-19. Review status: criteria provided, single submitter. Criteria: ACMG Guidelines, 2015. Collection method: clinical testing. Allele origin: germline.
Comment: This variant causes a T to G nucleotide substitution at the -8 position of intron 38 of the MYH7 gene. To our knowledge, functional studies have not been reported for this variant. This variant has not reported in an individual affected with hypertrophic cardiomyopathy (PMID: 25611685). This variant has been identified in 1/31368 chromosomes in the general population by the Genome Aggregation Database (gnomAD). The available evidence is insufficient to determine the role of this variant in disease conclusively. Therefore, this variant is classified as a Variant of Uncertain Significance.

CHEO Genetics Diagnostic Laboratory, Children's Hospital of Eastern Ontario
Classification: Uncertain significance for Cardiomyopathy. Last evaluated: 2021-03-15. Review status: criteria provided, single submitter. Criteria: ACMG Guidelines, 2015. Collection method: clinical testing. Allele origin: germline.

Laboratory for Molecular Medicine, Mass General Brigham Personalized Medicine
Classification: Uncertain significance. Last evaluated: 2009-07-09. Review status: no assertion criteria provided. Collection method: clinical testing. Allele origin: germline. Observed: 1 variant allele. Not counted in ClinVar's aggregate classification.

Literature cited by the submitters: PubMed 25611685 (cited by All of Us Research Program, National Institutes of Health and Color Diagnostics, LLC DBA Color Health); PubMed 18506004 (cited by Laboratory for Molecular Medicine, Mass General Brigham Personalized Medicine).